The following is an entry in ClinVar:

NM_002734.5(PRKAR1A):c.290G>A (p.Arg97Gln)

Gene: PRKAR1A (protein kinase cAMP-dependent type I regulatory subunit alpha; plus strand). Cytogenetic location: 17q24.2.
Variant type: single nucleotide variant.
Coding change: c.290G>A on transcript NM_002734.5 (MANE Select); coding-DNA position 290, G replaced by A.
Protein change: p.Arg97Gln; replaces arginine 97 with glutamine.
Molecular consequence: missense variant.
Genome position (GRCh38, 1-based): chr17:68,522,868, G>A. VCF-style: chr17-68522868-G-A. GRCh37 (hg19) VCF-style: chr17-66519009-G-A.
Other names: c.290G>A, p.Arg97Gln (NM_001276289.2, NM_001276290.1, NM_001278433.2 and 4 more transcripts); short protein forms R97Q.
Identifiers: ClinVar variation 3222766 (VCV003222766.1), dbSNP rs2143274266, ClinGen allele CA400752395.

ClinVar aggregate classification (germline): Uncertain significance (1 of 4 stars; one submission).

Conditions:
Hereditary cancer-predisposing syndrome. Also called: Tumor predisposition; Hereditary neoplastic syndrome; Hereditary Cancer Syndrome; Neoplastic Syndromes, Hereditary. Identifiers: Orphanet 140162, MedGen C0027672, MeSH D009386, MONDO:0015356.

Allele frequency attached by ClinVar (database versions not stated): gnomAD exomes below 0.00001.
gnomAD v4.1: 2 of 1,613,554 alleles (0.00012%); highest among the groups gnomAD compares: Non-Finnish European, 0.00017%; no homozygotes.

Submission:

Ambry Genetics
Classification: Uncertain significance for Hereditary cancer-predisposing syndrome. Last evaluated: 2023-09-23. Review status: criteria provided, single submitter. Criteria: Ambry Variant Classification Scheme 2023. Collection method: clinical testing. Allele origin: germline.
Comment: The p.R97Q variant (also known as c.290G>A), located in coding exon 2 of the PRKAR1A gene, results from a G to A substitution at nucleotide position 290. The arginine at codon 97 is replaced by glutamine, an amino acid with highly similar properties. This amino acid position is conserved. In addition, this alteration is predicted to be deleterious by in silico analysis. Since supporting evidence is limited at this time, the clinical significance of this alteration remains unclear.